The following is an entry in ClinVar:

ClinVar aggregate classification (germline): Uncertain significance. Review status: criteria provided, multiple submitters, no conflicts (2 of 4 stars). 2 submissions from 2 submitters: Uncertain significance (2). Last evaluated 2025-07-13.

Conditions:
Aortic valve disease 2 (AOVD2). Identifiers: MedGen C3542024, MONDO:0013902, OMIM 614823.
Inborn genetic diseases. Identifiers: MedGen C0950123, MeSH D030342.

Allele frequency attached by ClinVar (database versions not stated): gnomAD exomes below 0.00001.

Submissions (2):

Labcorp Genetics (formerly Invitae), Labcorp
Classification: Uncertain significance for Aortic valve disease 2. Last evaluated: 2025-07-13. Review status: criteria provided, single submitter. Criteria: Invitae Variant Classification Sherloc (09022015). Collection method: clinical testing. Allele origin: germline.
Comment: This sequence change replaces serine, which is neutral and polar, with arginine, which is basic and polar, at codon 267 of the SMAD6 protein (p.Ser267Arg). This variant is not present in population databases (gnomAD no frequency). This variant has not been reported in the literature in individuals affected with SMAD6-related conditions. ClinVar contains an entry for this variant (Variation ID: 1761536). Invitae Evidence Modeling of protein sequence and biophysical properties (such as structural, functional, and spatial information, amino acid conservation, physicochemical variation, residue mobility, and thermodynamic stability) has been performed for this missense variant. However, the output from this modeling did not meet the statistical confidence thresholds required to predict the impact of this variant on SMAD6 protein function. In summary, the available evidence is currently insufficient to determine the role of this variant in disease. Therefore, it has been classified as a Variant of Uncertain Significance.

Ambry Genetics
Classification: Uncertain significance for Inborn genetic diseases. Last evaluated: 2025-06-15. Review status: criteria provided, single submitter. Criteria: Ambry Variant Classification Scheme 2023. Collection method: clinical testing. Allele origin: germline.
Comment: The p.S267R variant (also known as c.799A>C), located in coding exon 1 of the SMAD6 gene, results from an A to C substitution at nucleotide position 799. The serine at codon 267 is replaced by arginine, an amino acid with dissimilar properties. This amino acid position is conserved. In addition, the in silico prediction for this alteration is inconclusive. Since supporting evidence is limited at this time, the clinical significance of this alteration remains unclear.

NM_005585.5(SMAD6):c.799A>C (p.Ser267Arg)

Gene: SMAD6 (SMAD family member 6; plus strand). Cytogenetic location: 15q22.31.
Variant type: single nucleotide variant.
Coding change: c.799A>C on transcript NM_005585.5 (MANE Select); coding-DNA position 799, A replaced by C.
Protein change: p.Ser267Arg; replaces serine 267 with arginine.
Molecular consequence: missense variant. On other transcripts: non-coding transcript variant (1).
Genome position (GRCh38, 1-based): chr15:66,704,057, A>C. VCF-style: chr15-66704057-A-C. GRCh37 (hg19) VCF-style: chr15-66996395-A-C.
Other names: short protein forms S267R.
Identifiers: ClinVar variation 1761536 (VCV001761536.4), dbSNP rs2545313311, ClinGen allele CA392950272.
Genomic context (GRCh38, chr15:66,704,057, plus strand): 5'-TGCCACAGCTTCGCCGCCGCCGCCGACGGCCCTACCGTGTGCTGCAACCCCTACCACTTC[A>C]GCCGGCTCTGCGGGCCCGGTGAGCGCGCTGCGCCGGCCGGGGGGGCCCCGGGTCCCCGTC-3'
Protein context (NP_005576.3, residues 257-277): PTVCCNPYHF[Ser267Arg]RLCGPESPPP